The following is an entry in ClinVar:

NM_000059.4(BRCA2):c.7232A>C (p.Lys2411Thr)

Gene: BRCA2 (BRCA2 DNA repair associated; plus strand). Cytogenetic location: 13q13.1.
Variant type: single nucleotide variant.
Coding change: c.7232A>C on transcript NM_000059.4 (MANE Select); coding-DNA position 7232, A replaced by C.
Protein change: p.Lys2411Thr; replaces lysine 2411 with threonine.
Molecular consequence: missense variant.
Genome position (GRCh38, 1-based): chr13:32,355,085, A>C. VCF-style: chr13-32355085-A-C. GRCh37 (hg19) VCF-style: chr13-32929222-A-C.
Other names: short protein forms K2411T.
Identifiers: ClinVar variation 52294 (VCV000052294.69), dbSNP rs80358950, ClinGen allele CA024979.

ClinVar aggregate classification (germline): Benign. Review status: reviewed by expert panel (3 of 4 stars). 20 submissions from 20 submitters: Benign (1). 19 of the submissions do not count toward it. Last evaluated 2019-06-18.

Conditions:
BRCA2-related disorder. Also called: BRCA2-related condition; BRCA2-related disorders. Identifiers: MedGen CN239275.
Hereditary cancer-predisposing syndrome. Also called: Hereditary Cancer Syndrome; Tumor predisposition; Neoplastic Syndromes, Hereditary; Hereditary neoplastic syndrome. Identifiers: Orphanet 140162, MedGen C0027672, MeSH D009386, MONDO:0015356.
Hereditary breast ovarian cancer syndrome. Also called: Breast and ovarian cancer; BRCA1- and BRCA2-Associated Hereditary Breast and Ovarian Cancer; Hereditary breast and ovarian cancer; Hereditary breast and ovarian cancer syndrome (HBOC); Hereditary breast and ovarian cancer syndrome; Hereditary breast and/or ovarian cancer syndrome. Identifiers: Orphanet 145, MedGen C0677776, MeSH D061325, MONDO:0003582. Disease mechanism: loss of function.
Breast-ovarian cancer, familial, susceptibility to, 2 (BROVCA2). Also called: BRCA2 Hereditary Breast and Ovarian Cancer. Identifiers: Orphanet 145, MedGen C2675520, MONDO:0012933, OMIM 612555. Disease mechanism: loss of function.

Allele frequency attached by ClinVar (database versions not stated): gnomAD exomes 0.00002 and 0.00006; TOPMed 0.00003; ExAC 0.00005; gnomAD 0.00001.
gnomAD v4.1: 45 of 1,613,874 alleles (0.0028%); highest among the groups gnomAD compares: Middle Eastern, 0.36%; 1 homozygote.

Submissions 1 to 16 of 20:

Evidence-based Network for the Interpretation of Germline Mutant Alleles (ENIGMA)
Classification: Benign for Breast-ovarian cancer, familial, susceptibility to, 2. Last evaluated: 2019-06-18. Review status: reviewed by expert panel. Criteria: ENIGMA BRCA1/2 Classification Criteria (2017-06-29). Collection method: curation. Allele origin: germline.
Comment: IARC class based on posterior probability from multifactorial likelihood analysis, thresholds for class as per Plon et al. 2008 (PMID: 18951446). Class 1 based on posterior probability = 0.00026

Labcorp Genetics (formerly Invitae), Labcorp
Classification: Benign for Hereditary breast ovarian cancer syndrome. Last evaluated: 2025-12-30. Review status: criteria provided, single submitter. Criteria: Invitae Variant Classification Sherloc (09022015). Collection method: clinical testing. Allele origin: germline. Not counted in ClinVar's aggregate classification.

Center for Genomic Medicine, Rigshospitalet, Copenhagen University Hospital
Classification: Benign. Last evaluated: 2025-03-04. Review status: criteria provided, single submitter. Criteria: ACMG Guidelines, 2015. Collection method: clinical testing. Allele origin: germline. Not counted in ClinVar's aggregate classification.

Blueprint Genetics
Classification: Likely benign. Last evaluated: 2024-10-25. Review status: criteria provided, single submitter. Criteria: ACMG Guidelines, 2015. Collection method: clinical testing. Allele origin: germline. Not counted in ClinVar's aggregate classification.

CeGaT Center for Human Genetics Tuebingen
Classification: Likely benign. Last evaluated: 2024-07-01. Review status: criteria provided, single submitter. Criteria: CeGaT Center For Human Genetics Tuebingen Variant Classification Criteria Version 2. Collection method: clinical testing. Allele origin: germline. Affected: yes. Observed: 6 variant alleles. Not counted in ClinVar's aggregate classification.
Comment: BRCA2: BS1

All of Us Research Program, National Institutes of Health
Classification: Likely benign for Breast-ovarian cancer, familial, susceptibility to, 2. Last evaluated: 2024-01-11. Review status: criteria provided, single submitter. Criteria: ACMG Guidelines, 2015. Collection method: clinical testing. Allele origin: germline. Inheritance: Autosomal dominant inheritance. Observed: 7 variant alleles, 6 heterozygotes, 1 homozygote. Not counted in ClinVar's aggregate classification.
Comment: This study involves interpretation of variants in research participants for the purpose of population health screening. Participant phenotype was not available at the time of variant classification. Additional details can be found in publication PMID: 35346344, PMCID: PMC8962531

Women's Health and Genetics/Laboratory Corporation of America, LabCorp
Classification: Benign. Last evaluated: 2022-07-18. Review status: criteria provided, single submitter. Criteria: LabCorp Variant Classification Summary - May 2015. Collection method: clinical testing. Allele origin: germline. Not counted in ClinVar's aggregate classification.
Comment: Variant summary: BRCA2 c.7232A>C (p.Lys2411Thr) results in a non-conservative amino acid change in the encoded protein sequence. Five of five in-silico tools predict a damaging effect of the variant on protein function. The variant allele was found at a frequency of 6e-05 in 251296 control chromosomes. This frequency is not significantly higher than estimated for a pathogenic variant in BRCA2 causing Hereditary Breast And Ovarian Cancer Syndrome (6e-05 vs 0.00075), allowing no conclusion about variant significance. c.7232A>C has been reported in the literature in individuals undergoing testing for breast cancer (example, Borg_2010, Capanu_2011, Laitman_2012, van der Hout_2006). These report(s) do not provide unequivocal conclusions about association of the variant with Hereditary Breast And Ovarian Cancer Syndrome. Multifactorial probability studies have reported a neutral impact (example, Easton_2007, Lindor_2012). At-least two co-occurrences with another pathogenic variant(s) have been reported in the UMD and BIC databases (BRCA1 c.5145del, p.Tyr1716fs), providing supporting evidence for a benign role. Multiple publications report experimental evidence evaluating an impact on protein function (example, Guidugli_2012, Ikegami_2020). These results showed no damaging effect of this variant on homology directed repair (HDR) activity. Multiple clinical diagnostic laboratories and an expett panel (ENIGMA) have submitted clinical-significance assessments for this variant to ClinVar after 2014 without evidence for independent evaluation. All submitters classified the variant as benign/likely benign. Based on the evidence outlined above, the variant was classified as benign.

Quest Diagnostics Nichols Institute San Juan Capistrano
Classification: Benign. Last evaluated: 2022-06-03. Review status: criteria provided, single submitter. Criteria: Quest Diagnostics criteria. Collection method: clinical testing. Allele origin: unknown. Not counted in ClinVar's aggregate classification.

Sema4
Classification: Likely benign for Hereditary cancer-predisposing syndrome. Last evaluated: 2022-02-02. Review status: criteria provided, single submitter. Criteria: Sema4 Curation Guidelines. Collection method: curation. Allele origin: germline. Not counted in ClinVar's aggregate classification.

GeneDx
Classification: Likely benign. Last evaluated: 2020-08-17. Review status: criteria provided, single submitter. Criteria: GeneDx Variant Classification Process June 2021. Collection method: clinical testing. Allele origin: germline. Affected: yes. Not counted in ClinVar's aggregate classification.
Comment: This variant is associated with the following publications: (PMID: 21990134, 26566278, 21741379, 17924331, 20104584, 20960228, 26689913, 16683254, 24323938, 25085752, 25348012, 23108138, 29036293, 32444794)

Genome Diagnostics Laboratory, University Medical Center Utrecht
Classification: Benign for Breast-ovarian cancer, familial, susceptibility to, 2. Last evaluated: 2017-07-28. Review status: criteria provided, single submitter. Criteria: ACGS Guidelines, 2013. Collection method: clinical testing. Allele origin: germline. Affected: yes. Study: VKGL Data-share Consensus. Not counted in ClinVar's aggregate classification.

Color Diagnostics, LLC DBA Color Health
Classification: Likely benign for Hereditary cancer-predisposing syndrome. Last evaluated: 2017-02-10. Review status: criteria provided, single submitter. Criteria: ACMG Guidelines, 2015. Collection method: clinical testing. Allele origin: germline. Not counted in ClinVar's aggregate classification.

Ambry Genetics
Classification: Benign for Hereditary cancer-predisposing syndrome. Last evaluated: 2014-11-19. Review status: criteria provided, single submitter. Criteria: Ambry Variant Classification Scheme 2023. Collection method: clinical testing. Allele origin: germline. Not counted in ClinVar's aggregate classification.

PreventionGenetics, part of Exact Sciences
Classification: Likely benign for BRCA2-related condition. Last evaluated: 2019-03-18. Review status: no assertion criteria provided. Collection method: clinical testing. Allele origin: germline. Not counted in ClinVar's aggregate classification.
Comment: This variant is classified as likely benign based on ACMG/AMP sequence variant interpretation guidelines (Richards et al. 2015 PMID: 25741868, with internal and published modifications).

Counsyl
Classification: Likely benign for Breast-ovarian cancer, familial 2. Last evaluated: 2014-08-13. Review status: no assertion criteria provided. Collection method: literature only. Allele origin: unknown. Inheritance: Autosomal dominant inheritance. Not counted in ClinVar's aggregate classification.

Breast Cancer Information Core (BIC) (BRCA2)
Classification: Uncertain significance for Breast-ovarian cancer, familial 2. Last evaluated: 2004-02-20. Review status: no assertion criteria provided. Collection method: clinical testing. Allele origin: germline. Affected: yes. Observed: 6 variant alleles. Not counted in ClinVar's aggregate classification.